The following is an entry in ClinVar:

ClinVar aggregate classification (germline): Uncertain significance (1 of 4 stars; one submission).

Conditions:
Spastic paraplegia. Identifiers: MedGen C0037772, HP:0001258.

Allele frequency attached by ClinVar (database versions not stated): gnomAD 0.00001; TOPMed 0.00001.
gnomAD v4.1: 5 of 1,610,888 alleles (0.00031%); highest among the groups gnomAD compares: Non-Finnish European, 0.00034%; no homozygotes.

Submission:

Labcorp Genetics (formerly Invitae), Labcorp
Classification: Uncertain significance for Spastic paraplegia. Last evaluated: 2018-08-20. Review status: criteria provided, single submitter. Criteria: Invitae Variant Classification Sherloc (09022015). Collection method: clinical testing. Allele origin: germline.
Comment: This variant is not present in population databases (ExAC no frequency). This variant has not been reported in the literature in individuals with GJC2-related disease. Algorithms developed to predict the effect of missense changes on protein structure and function are either unavailable or do not agree on the potential impact of this missense change (SIFT: "Deleterious"; PolyPhen-2: "Probably Damaging"; Align-GVGD: "Class C0"). In summary, the available evidence is currently insufficient to determine the role of this variant in disease. Therefore, it has been classified as a Variant of Uncertain Significance. This sequence change replaces leucine with valine at codon 233 of the GJC2 protein (p.Leu233Val). The leucine residue is highly conserved and there is a small physicochemical difference between leucine and valine.

NM_020435.4(GJC2):c.697C>G (p.Leu233Val)

Gene: GJC2 (gap junction protein gamma 2; plus strand). Cytogenetic location: 1q42.13.
Variant type: single nucleotide variant.
Coding change: c.697C>G on transcript NM_020435.4 (MANE Select); coding-DNA position 697, C replaced by G.
Protein change: p.Leu233Val; replaces leucine 233 with valine.
Molecular consequence: missense variant.
Genome position (GRCh38, 1-based): chr1:228,158,455, C>G. VCF-style: chr1-228158455-C-G. GRCh37 (hg19) VCF-style: chr1-228346156-C-G.
Other names: short protein forms L233V.
Identifiers: ClinVar variation 649988 (VCV000649988.8), dbSNP rs1359291468, ClinGen allele CA345099044.